The following is an entry in ClinVar:

NM_001009944.3(PKD1):c.8303_8309del (p.Val2768fs)

Gene: PKD1 (polycystin 1, transient receptor potential channel interacting; minus strand). Cytogenetic location: 16p13.3.
Variant type: Deletion.
Coding change: c.8303_8309del on transcript NM_001009944.3 (MANE Select); coding-DNA positions 8303 to 8309, 7 bases deleted (TGCTCAA; older notation c.8303_8309delTGCTCAA).
Protein change: p.Val2768fs; shifts the reading frame from valine 2768.
Molecular consequence: frameshift variant.
Genome position (GRCh38, 1-based): chr16:2,103,748-2,103,754, TTGAGCA deleted on the plus strand (TGCTCAA on the coding strand, the reverse complement: PKD1 is on the minus strand). VCF-style (leftmost placement, unchanged base first): chr16-2103747-GTTGAGCA-G. GRCh37 (hg19) VCF-style: chr16-2153748-GTTGAGCA-G.
Other names: c.8303_8309del, p.Val2768fs (NM_000296.4); short protein forms V2768fs.
Identifiers: ClinVar variation 4880778 (VCV004880778.2).

ClinVar aggregate classification (germline): Likely pathogenic (1 of 4 stars; one submission).

Conditions:
Polycystic kidney disease, adult type (PKD1). Also called: Polycystic Kidney, Autosomal Dominant; POLYCYSTIC KIDNEY DISEASE, ADULT, TYPE I; Polycystic Kidney Disease 1, Autosomal Dominant; Polycystic kidney disease 1; Polycystic kidney disease 1, severe; POLYCYSTIC KIDNEY DISEASE 1 WITH OR WITHOUT POLYCYSTIC LIVER DISEASE. Identifiers: MedGen C3149841, MONDO:0008263, OMIM 173900.

Submission:

Dasa
Classification: Likely pathogenic for Polycystic kidney disease, adult type. Last evaluated: 2025-04-07. Review status: criteria provided, single submitter. Criteria: DASA Assertion Criteria. Collection method: clinical testing. Allele origin: germline.
Comment: NM_001009944.3(PKD1):c.8303_8309del (p.Val2768Alafs*5) is a frameshift variant in PKD1 predicted to alter the reading frame and introduce a premature termination codon and is predicted to result in an absent or altered protein product. Loss of function is an established disease mechanism for PKD1 (PMID: 25491204; PMID: 24694054; PMID: 29529603). Also, this variant is absent from population databases. Based on the currently available evidence, this variant is classified as likely pathogenic.

Literature cited by the submitters: PubMed 25491204; PubMed 24694054; PubMed 29529603.